The following is an entry in ClinVar:

NM_000548.5(TSC2):c.768C>G (p.Cys256Trp)

Gene: TSC2 (TSC complex subunit 2; plus strand). Cytogenetic location: 16p13.3.
Variant type: single nucleotide variant.
Coding change: c.768C>G on transcript NM_000548.5 (MANE Select); coding-DNA position 768, C replaced by G.
Protein change: p.Cys256Trp; replaces cysteine 256 with tryptophan.
Molecular consequence: missense variant.
Genome position (GRCh38, 1-based): chr16:2,056,763, C>G. VCF-style: chr16-2056763-C-G. GRCh37 (hg19) VCF-style: chr16-2106764-C-G.
Other names: c.768C>G, p.Cys256Trp (NM_001077183.3, NM_001114382.3, NM_001363528.2 and 3 more transcripts); c.657C>G, p.Cys219Trp (NM_001318827.2); c.621C>G, p.Cys207Trp (NM_001318829.2); c.168C>G, p.Cys56Trp (NM_001318831.2); c.801C>G, p.Cys267Trp (NM_001318832.2); short protein forms C207W, C256W, C267W, C56W, C219W.
Identifiers: ClinVar variation 1406798 (VCV001406798.8), dbSNP rs45517127, ClinGen allele CA394312815.
Genomic context (GRCh38, chr16:2,056,763, plus strand): 5'-CCCGCTGTTCATCGTTACCCTCTGTCGCACCATCAACGTCAAGGAGCTCTGCGAGCCTTG[C>G]TGGAAGGTGGGGTTTCTGAAACTGCTCTGGAAGGTTCCTGAGAGCACATGGATGGGACAA-3'
Protein context (NP_000539.2, residues 246-266): TINVKELCEP[Cys256Trp]WKLMRNLLGT

ClinVar aggregate classification (germline): Uncertain significance (1 of 4 stars; one submission).

Conditions:
Tuberous sclerosis 2 (TSC2). Identifiers: Orphanet 805, MedGen C1860707, MONDO:0013199, OMIM 613254.

Submission:

Labcorp Genetics (formerly Invitae), Labcorp
Classification: Uncertain significance for Tuberous sclerosis 2. Last evaluated: 2021-07-22. Review status: criteria provided, single submitter. Criteria: Invitae Variant Classification Sherloc (09022015). Collection method: clinical testing. Allele origin: germline.
Comment: This variant is not present in population databases (ExAC no frequency). In summary, the available evidence is currently insufficient to determine the role of this variant in disease. Therefore, it has been classified as a Variant of Uncertain Significance. Advanced modeling of protein sequence and biophysical properties (such as structural, functional, and spatial information, amino acid conservation, physicochemical variation, residue mobility, and thermodynamic stability) performed at Invitae indicates that this missense variant is not expected to disrupt TSC2 protein function. This variant has not been reported in the literature in individuals affected with TSC2-related conditions. This sequence change replaces cysteine with tryptophan at codon 256 of the TSC2 protein (p.Cys256Trp). The cysteine residue is highly conserved and there is a large physicochemical difference between cysteine and tryptophan.